The following is an entry in ClinVar:

ClinVar aggregate classification (germline): Uncertain significance. Review status: criteria provided, multiple submitters, no conflicts (2 of 4 stars). 3 submissions from 3 submitters: Uncertain significance (3). Last evaluated 2024-08-29.

Conditions:
Inborn genetic diseases. Identifiers: MedGen C0950123, MeSH D030342.
Spastic paraplegia. Identifiers: MedGen C0037772, HP:0001258.

Allele frequency attached by ClinVar (database versions not stated): ExAC 0.00003; gnomAD 0.00003.

Submissions (3):

Athena Diagnostics
Classification: Uncertain significance. Last evaluated: 2024-08-29. Review status: criteria provided, single submitter. Criteria: Athena Diagnostics Criteria. Collection method: clinical testing. Allele origin: unknown.
Comment: Available data are insufficient to determine the clinical significance of the variant at this time. The frequency of this variant in the general population is uninformative in assessment of its pathogenicity. Polyphen and MutationTaster predict this amino acid change may be damaging to the protein.

Labcorp Genetics (formerly Invitae), Labcorp
Classification: Uncertain significance for Spastic paraplegia. Last evaluated: 2024-05-15. Review status: criteria provided, single submitter. Criteria: Invitae Variant Classification Sherloc (09022015). Collection method: clinical testing. Allele origin: germline.
Comment: This sequence change replaces tyrosine, which is neutral and polar, with cysteine, which is neutral and slightly polar, at codon 2170 of the ZFYVE26 protein (p.Tyr2170Cys). This variant is present in population databases (rs763583609, gnomAD 0.01%). This variant has not been reported in the literature in individuals affected with ZFYVE26-related conditions. ClinVar contains an entry for this variant (Variation ID: 2059654). An algorithm developed to predict the effect of missense changes on protein structure and function (PolyPhen-2) suggests that this variant is likely to be disruptive. In summary, the available evidence is currently insufficient to determine the role of this variant in disease. Therefore, it has been classified as a Variant of Uncertain Significance.

Ambry Genetics
Classification: Uncertain significance for Inborn genetic diseases. Last evaluated: 2022-08-02. Review status: criteria provided, single submitter. Criteria: Ambry Variant Classification Scheme 2023. Collection method: clinical testing. Allele origin: germline.

NM_015346.4(ZFYVE26):c.6509A>G (p.Tyr2170Cys)

Gene: ZFYVE26 (zinc finger FYVE-type containing 26; minus strand). Cytogenetic location: 14q24.1.
Variant type: single nucleotide variant.
Coding change: c.6509A>G on transcript NM_015346.4 (MANE Select); coding-DNA position 6509, A replaced by G.
Protein change: p.Tyr2170Cys; replaces tyrosine 2170 with cysteine.
Molecular consequence: missense variant.
Genome position (GRCh38, 1-based): chr14:67,761,445, T>C on the plus strand (A>G on the coding strand, the complement: ZFYVE26 is on the minus strand). VCF-style: chr14-67761445-T-C. GRCh37 (hg19) VCF-style: chr14-68228162-T-C.
Other names: short protein forms Y2170C.
Identifiers: ClinVar variation 2059654 (VCV002059654.6), dbSNP rs763583609, ClinGen allele CA7239212.
Genomic context (GRCh38, chr14:67,761,445, plus strand): 5'-AGAGCTTCCCGCAGGCAGCTGTGCCTCACGTAGAAGCTGATGATGGCCAGGTTGGTGCTA[T>C]AGTTGTGCAGGTAGAAGAGGCATTCCTGGTAGTAGGTGTTGTTCATGATTTTCCCTTCAG-3'
Protein context (NP_056161.2, residues 2160-2180): YQECLFYLHN[Tyr2170Cys]STNLAIISFY